The following is an entry in ClinVar:

ClinVar aggregate classification (germline): Likely pathogenic (1 of 4 stars; one submission).

Conditions:
Marfan syndrome (MFS). Also called: FBN1-Related Marfan Syndrome; Marfan syndrome, classic; MARFAN SYNDROME, TYPE I; Marfan syndrome type 1; Marfan's syndrome. Identifiers: Orphanet 284963, Orphanet 558, MedGen C0024796, MONDO:0007947, OMIM 154700.

Submission:

Laboratory for Molecular Medicine, Mass General Brigham Personalized Medicine
Classification: Likely pathogenic for Marfan syndrome. Last evaluated: 2016-02-29. Review status: criteria provided, single submitter. Criteria: LMM Criteria. Collection method: clinical testing. Allele origin: germline. Inheritance: Autosomal dominant inheritance. Observed: 4 variant alleles.
Comment: The p.Glu2527Ala variant in FBN1 has been identified in 2 individuals with clini cal features of Marfan syndrome and segregated with disease in 2 affected relati ves from 2 families (LMM data). It was also absent from large population studies . Computational prediction tools and conservation analysis suggest that this var iant may impact the protein, though this information is not predictive enough to determine pathogenicity. In summary, although additional studies are required t o fully establish its clinical significance, the p.Glu2527Ala variant is likely pathogenic.

NM_000138.5(FBN1):c.7580A>C (p.Glu2527Ala)

Gene: FBN1 (fibrillin 1; minus strand). Cytogenetic location: 15q21.1.
Variant type: single nucleotide variant.
Coding change: c.7580A>C on transcript NM_000138.5 (MANE Select); coding-DNA position 7580, A replaced by C.
Protein change: p.Glu2527Ala; replaces glutamic acid 2527 with alanine.
Molecular consequence: missense variant.
Genome position (GRCh38, 1-based): chr15:48,421,677, T>G on the plus strand (A>C on the coding strand, the complement: FBN1 is on the minus strand). VCF-style: chr15-48421677-T-G. GRCh37 (hg19) VCF-style: chr15-48713874-T-G.
Other names: short protein forms E2527A.
Identifiers: ClinVar variation 42428 (VCV000042428.4), dbSNP rs397515853, ClinGen allele CA017263.